The following is an entry in ClinVar:

ClinVar aggregate classification (germline): Uncertain significance (1 of 4 stars; one submission).

Conditions:
Charcot-Marie-Tooth disease type 4. Also called: Charcot-Marie-Tooth disease, type IV; Charcot-Marie-Tooth, Type 4. Identifiers: Orphanet 64749, MedGen C4082197, MONDO:0018995.

Allele frequency attached by ClinVar (database versions not stated): gnomAD exomes below 0.00001.
gnomAD v4.1: 3 of 1,614,172 alleles (0.00019%); highest among the groups gnomAD compares: East Asian, 0.0022%; no homozygotes.

Submission:

Labcorp Genetics (formerly Invitae), Labcorp
Classification: Uncertain significance for Charcot-Marie-Tooth disease type 4. Last evaluated: 2024-05-15. Review status: criteria provided, single submitter. Criteria: Invitae Variant Classification Sherloc (09022015). Collection method: clinical testing. Allele origin: germline.
Comment: This sequence change replaces methionine, which is neutral and non-polar, with valine, which is neutral and non-polar, at codon 714 of the SBF2 protein (p.Met714Val). This variant is not present in population databases (gnomAD no frequency). This variant has not been reported in the literature in individuals affected with SBF2-related conditions. ClinVar contains an entry for this variant (Variation ID: 1915298). Advanced modeling of protein sequence and biophysical properties (such as structural, functional, and spatial information, amino acid conservation, physicochemical variation, residue mobility, and thermodynamic stability) has been performed at Invitae for this missense variant, however the output from this modeling did not meet the statistical confidence thresholds required to predict the impact of this variant on SBF2 protein function. In summary, the available evidence is currently insufficient to determine the role of this variant in disease. Therefore, it has been classified as a Variant of Uncertain Significance.

NM_030962.4(SBF2):c.2140A>G (p.Met714Val)

Genes: SBF2 (SET binding factor 2; minus strand), LOC101928008 (uncharacterized LOC101928008; plus strand). Cytogenetic location: 11p15.4.
Variant type: single nucleotide variant.
Coding change: c.2140A>G on transcript NM_030962.4 (MANE Select); coding-DNA position 2140, A replaced by G.
Protein change: p.Met714Val; replaces methionine 714 with valine.
Molecular consequence: missense variant.
Genome position (GRCh38, 1-based): chr11:9,856,681, T>C on the plus strand (A>G on the coding strand, the complement: SBF2 is on the minus strand). VCF-style: chr11-9856681-T-C. GRCh37 (hg19) VCF-style: chr11-9878228-T-C.
Other names: c.2140A>G, p.Met714Val (NM_001386339.1); c.2011A>G, p.Met671Val (NM_001386342.1); short protein forms M671V, M714V.
Identifiers: ClinVar variation 1915298 (VCV001915298.5), dbSNP rs2494904868, ClinGen allele CA379639222.